The following is an entry in ClinVar:

NM_152564.5(VPS13B):c.2958T>C (p.Leu986=)

Gene: VPS13B (vacuolar protein sorting 13 homolog B; plus strand). Cytogenetic location: 8q22.2.
Variant type: single nucleotide variant.
Coding change: c.2958T>C on transcript NM_152564.5 (MANE Select); coding-DNA position 2958, T replaced by C.
Protein change: p.Leu986=; no amino-acid change (leucine 986 retained).
Molecular consequence: synonymous variant.
Genome position (GRCh38, 1-based): chr8:99,391,580, T>C. VCF-style: chr8-99391580-T-C. GRCh37 (hg19) VCF-style: chr8-100403808-T-C.
Other names: c.2958T>C, p.Leu986= (NM_017890.5).
Identifiers: ClinVar variation 4995833 (VCV004995833.1).

ClinVar aggregate classification (germline): Likely benign (1 of 4 stars; one submission).

Conditions:
VPS13B-related disorder. Also called: VPS13B-related condition.

Submission:

PreventionGenetics, part of Exact Sciences
Classification: Likely benign for VPS13B-related condition. Last evaluated: 2026-06-17. Review status: criteria provided, single submitter. Criteria: ACMG Guidelines, 2015. Collection method: clinical testing. Allele origin: germline.
Comment: This variant is classified as likely benign based on ACMG/AMP sequence variant interpretation guidelines (Richards et al. 2015 PMID: 25741868, with internal and published modifications).